The following is an entry in ClinVar:

NM_001035.3(RYR2):c.4862G>A (p.Cys1621Tyr)

Gene: RYR2 (ryanodine receptor 2; plus strand). Cytogenetic location: 1q43.
Variant type: single nucleotide variant.
Coding change: c.4862G>A on transcript NM_001035.3 (MANE Select); coding-DNA position 4862, G replaced by A.
Protein change: p.Cys1621Tyr; replaces cysteine 1621 with tyrosine.
Molecular consequence: missense variant.
Genome position (GRCh38, 1-based): chr1:237,610,940, G>A. VCF-style: chr1-237610940-G-A. GRCh37 (hg19) VCF-style: chr1-237774240-G-A.
Other names: c.4862G>A, p.Cys1621Tyr (LRG_402t1); short protein forms C1621Y.
Identifiers: ClinVar variation 546477 (VCV000546477.2), dbSNP rs1553521003, ClinGen allele CA345402788.

ClinVar aggregate classification (germline): Uncertain significance (1 of 4 stars; one submission).

Allele frequency attached by ClinVar (database versions not stated): gnomAD exomes below 0.00001.

Submission:

GeneDx
Classification: Uncertain significance. Last evaluated: 2018-05-25. Review status: criteria provided, single submitter. Criteria: GeneDx Variant Classification (06012015). Collection method: clinical testing. Allele origin: germline. Affected: yes.
Comment: A variant of uncertain significance has been identified in the RYR2 gene. The C1621Y variant has not been published as pathogenic or been reported as benign to our knowledge. This variant is also not observed in large population cohorts (Lek et al., 2016). The C1621Y variant is a non-conservative amino acid substitution, which is likely to impact secondary protein structure as these residues differ in polarity, charge, size and/or other properties. In-silico analyses, including protein predictors and evolutionary conservation, support a deleterious effect. However, C1621Y is not located in one of the three hot-spot regions of the RYR2 gene, where the majority of pathogenic missense variants occur (Medeiros-Domingo et al., 2009). Additionally, this variant has not been observed in a significant number of affected individuals, and it lacks both segregation and functional studies which would further clarify its pathogenicity.